The following is an entry in ClinVar:

NM_004984.4(KIF5A):c.32A>C (p.Lys11Thr)

Gene: KIF5A (kinesin family member 5A; plus strand). Cytogenetic location: 12q13.3.
Variant type: single nucleotide variant.
Coding change: c.32A>C on transcript NM_004984.4 (MANE Select); coding-DNA position 32, A replaced by C.
Protein change: p.Lys11Thr; replaces lysine 11 with threonine.
Molecular consequence: missense variant.
Genome position (GRCh38, 1-based): chr12:57,550,303, A>C. VCF-style: chr12-57550303-A-C. GRCh37 (hg19) VCF-style: chr12-57944086-A-C.
Other names: c.32A>C, p.Lys11Thr (NM_001354705.2); c.32A>C (NM_004984.2); short protein forms K11T.
Identifiers: ClinVar variation 1499854 (VCV001499854.11), dbSNP rs748864821, ClinGen allele CA6652491.

ClinVar aggregate classification (germline): Uncertain significance. Review status: criteria provided, multiple submitters, no conflicts (2 of 4 stars). 4 submissions from 4 submitters: Uncertain significance (4). Last evaluated 2025-10-26.

Conditions:
Spastic paraplegia. Identifiers: MedGen C0037772, HP:0001258.

Allele frequency attached by ClinVar (database versions not stated): TOPMed below 0.00001; ExAC 0.00001; gnomAD 0.00001.
gnomAD v4.1: 8 of 1,614,078 alleles (0.0005%); highest among the groups gnomAD compares: Non-Finnish European, 0.00068%; no homozygotes.

Submissions (4):

Labcorp Genetics (formerly Invitae), Labcorp
Classification: Uncertain significance for Spastic paraplegia. Last evaluated: 2025-10-26. Review status: criteria provided, single submitter. Criteria: Invitae Variant Classification Sherloc (09022015). Collection method: clinical testing. Allele origin: germline.
Comment: This sequence change replaces lysine, which is basic and polar, with threonine, which is neutral and polar, at codon 11 of the KIF5A protein (p.Lys11Thr). This variant is present in population databases (rs748864821, gnomAD 0.0009%). This variant has not been reported in the literature in individuals affected with KIF5A-related conditions. ClinVar contains an entry for this variant (Variation ID: 1499854). Invitae Evidence Modeling of protein sequence and biophysical properties (such as structural, functional, and spatial information, amino acid conservation, physicochemical variation, residue mobility, and thermodynamic stability) has been performed for this missense variant. However, the output from this modeling did not meet the statistical confidence thresholds required to predict the impact of this variant on KIF5A protein function. In summary, the available evidence is currently insufficient to determine the role of this variant in disease. Therefore, it has been classified as a Variant of Uncertain Significance.

Women's Health and Genetics/Laboratory Corporation of America, LabCorp
Classification: Uncertain significance. Last evaluated: 2025-10-03. Review status: criteria provided, single submitter. Criteria: LabCorp Variant Classification Summary - May 2015. Collection method: clinical testing. Allele origin: germline.
Comment: Variant summary: KIF5A c.32A>C (p.Lys11Thr) results in a non-conservative amino acid change in the encoded protein sequence. Algorithms developed to predict the effect of missense changes on protein structure and function are either unavailable or do not agree on the potential impact of this missense change. The variant allele was found at a frequency of 4e-06 in 251338 control chromosomes. The available data on variant occurrences in the general population are insufficient to allow any conclusion about variant significance. To our knowledge, no occurrence of c.32A>C in individuals affected with KIF5A-related conditions and no experimental evidence demonstrating its impact on protein function have been reported. ClinVar contains an entry for this variant (Variation ID: 1499854). Based on the evidence outlined above, the variant was classified as uncertain significance.

GeneDx
Classification: Uncertain significance. Last evaluated: 2024-01-22. Review status: criteria provided, single submitter. Criteria: GeneDx Variant Classification Process June 2021. Collection method: clinical testing. Allele origin: germline. Affected: yes.
Comment: Not observed at significant frequency in large population cohorts (gnomAD); In silico analysis supports that this missense variant has a deleterious effect on protein structure/function; Has not been previously published as pathogenic or benign to our knowledge

Blueprint Genetics
Classification: Uncertain significance. Last evaluated: 2023-12-19. Review status: criteria provided, single submitter. Criteria: ACMG Guidelines, 2015. Collection method: clinical testing. Allele origin: germline.